The following is an entry in ClinVar:

NM_001386140.1(MTTP):c.1117G>T (p.Glu373Ter)

Gene: MTTP (microsomal triglyceride transfer protein; plus strand). Cytogenetic location: 4q23.
Variant type: single nucleotide variant.
Coding change: c.1117G>T on transcript NM_001386140.1 (MANE Select); coding-DNA position 1117, G replaced by T.
Protein change: p.Glu373Ter; replaces glutamic acid 373 with a stop codon.
Molecular consequence: nonsense.
Genome position (GRCh38, 1-based): chr4:99,600,614, G>T. VCF-style: chr4-99600614-G-T. GRCh37 (hg19) VCF-style: chr4-100521771-G-T.
Other names: c.868G>T, p.Glu290Ter (NM_001300785.2); c.1117G>T, p.Glu373Ter (NM_000253.4); short protein forms E290*, E373*.
Identifiers: ClinVar variation 983696 (VCV000983696.3), dbSNP rs1725671165, ClinGen allele CA357508046.

ClinVar aggregate classification (germline): Likely pathogenic (1 of 4 stars; one submission).

Conditions:
Abetalipoproteinaemia (ABL). Also called: Abetalipoproteinemia; Abetalipoproteinemia neuropathy; Apolipoprotein B deficiency; Congenital betalipoprotein deficiency syndrome; MTP DEFICIENCY. Identifiers: Orphanet 14, MedGen C0000744, MONDO:0008692, OMIM 200100, HP:0008181.

Submission:

Myriad Genetics, Inc.
Classification: Likely pathogenic for Abetalipoproteinaemia. Last evaluated: 2020-02-10. Review status: criteria provided, single submitter. Criteria: Myriad Women's Health Autosomal Recessive and X-Linked Classification Criteria (2019). Collection method: clinical testing. Allele origin: unknown.
Comment: NM_000253.2(MTTP):c.1117G>T(E373*) is expected to be pathogenic in the context of abetalipoproteinemia. This variant is predicted to lead to an abnormal or absent protein product due to the creation of a premature termination codon in MTTP, a gene where loss-of-function variants are known to be pathogenic. Please note: this variant was assessed in the context of healthy population screening.